The following is an entry in ClinVar:

ClinVar aggregate classification (germline): Likely benign. Review status: criteria provided, single submitter (1 of 4 stars). 2 submissions from 2 submitters: Likely benign (1). 1 of the submissions does not count toward it. Last evaluated 2026-06-01.

Conditions:
CIC-related disorder. Also called: CIC-related condition.

Allele frequency attached by ClinVar (database versions not stated): ESP Exome Variant Server 0.00015; gnomAD exomes 0.00018; TOPMed 0.00026; gnomAD 0.00031; ExAC 0.00052; 1000 Genomes Project 0.00240; 1000 Genomes Project 30x 0.00297.
gnomAD v4.1: 356 of 1,613,406 alleles (0.022%); highest among the groups gnomAD compares: East Asian, 0.58%; 2 homozygotes.

Submissions (2):

CeGaT Center for Human Genetics Tuebingen
Classification: Likely benign. Last evaluated: 2026-06-01. Review status: criteria provided, single submitter. Criteria: CeGaT Center For Human Genetics Tuebingen Variant Classification Criteria Version 2. Collection method: clinical testing. Allele origin: germline. Affected: yes. Observed: 2 variant alleles.
Comment: CIC: BP4, BP7, BS1

PreventionGenetics, part of Exact Sciences
Classification: Likely benign for CIC-related condition. Last evaluated: 2023-12-27. Review status: no assertion criteria provided. Collection method: clinical testing. Allele origin: germline. Not counted in ClinVar's aggregate classification.
Comment: This variant is classified as likely benign based on ACMG/AMP sequence variant interpretation guidelines (Richards et al. 2015 PMID: 25741868, with internal and published modifications).

NM_001386298.1(CIC):c.6792C>T (p.Phe2264=)

Gene: CIC (capicua transcriptional repressor; plus strand). Cytogenetic location: 19q13.2.
Variant type: single nucleotide variant.
Coding change: c.6792C>T on transcript NM_001386298.1 (MANE Select); coding-DNA position 6792, C replaced by T.
Protein change: p.Phe2264=; no amino-acid change (phenylalanine 2264 retained).
Molecular consequence: synonymous variant.
Genome position (GRCh38, 1-based): chr19:42,293,959, C>T. VCF-style: chr19-42293959-C-T. GRCh37 (hg19) VCF-style: chr19-42798111-C-T.
Other names: c.6792C>T, p.Phe2264= (NM_001304815.2); c.6789C>T, p.Phe2263= (NM_001379480.1, NM_001379482.1, NM_001379483.1); c.4065C>T, p.Phe1355= (NM_001379484.1, NM_015125.5); c.4062C>T, p.Phe1354= (NM_001379485.1).
Identifiers: ClinVar variation 3040126 (VCV003040126.10), dbSNP rs181588481, ClinGen allele CA9472843.